The following is an entry in ClinVar:

ClinVar aggregate classification (germline): Uncertain significance. Review status: criteria provided, multiple submitters, no conflicts (2 of 4 stars). 3 submissions from 3 submitters: Uncertain significance (3). Last evaluated 2025-08-01.

Conditions:
Congenital contractural arachnodactyly (CCA). Also called: BEALS SYNDROME; Beals-Hecht syndrome; Arthrogryposis, distal, type 9. Identifiers: Orphanet 115, MedGen C0220668, MONDO:0007363, OMIM 121050.
Familial thoracic aortic aneurysm and aortic dissection (TAAD). Also called: Thoracic aortic aneurysms and dissections. Identifiers: Orphanet 91387, MedGen C4707243, MONDO:0019625.

Allele frequency attached by ClinVar (database versions not stated): TOPMed 0.00001; gnomAD 0.00003 and 0.00004; gnomAD exomes 0.00001.
gnomAD v4.1: 18 of 1,614,096 alleles (0.0011%); highest among the groups gnomAD compares: Non-Finnish European, 0.0015%; no homozygotes.

Submissions (3):

CeGaT Center for Human Genetics Tuebingen
Classification: Uncertain significance. Last evaluated: 2025-08-01. Review status: criteria provided, single submitter. Criteria: CeGaT Center For Human Genetics Tuebingen Variant Classification Criteria Version 2. Collection method: clinical testing. Allele origin: germline. Affected: yes. Observed: 1 variant allele.

Labcorp Genetics (formerly Invitae), Labcorp
Classification: Uncertain significance for Congenital contractural arachnodactyly. Last evaluated: 2024-12-10. Review status: criteria provided, single submitter. Criteria: Invitae Variant Classification Sherloc (09022015). Collection method: clinical testing. Allele origin: germline.
Comment: This sequence change replaces glutamic acid, which is acidic and polar, with lysine, which is basic and polar, at codon 908 of the FBN2 protein (p.Glu908Lys). This variant is present in population databases (no rsID available, gnomAD 0.002%). This variant has not been reported in the literature in individuals affected with FBN2-related conditions. ClinVar contains an entry for this variant (Variation ID: 519861). Invitae Evidence Modeling of protein sequence and biophysical properties (such as structural, functional, and spatial information, amino acid conservation, physicochemical variation, residue mobility, and thermodynamic stability) indicates that this missense variant is expected to disrupt FBN2 protein function with a positive predictive value of 80%. In summary, the available evidence is currently insufficient to determine the role of this variant in disease. Therefore, it has been classified as a Variant of Uncertain Significance.

Ambry Genetics
Classification: Uncertain significance for Familial thoracic aortic aneurysm and aortic dissection. Last evaluated: 2018-01-22. Review status: criteria provided, single submitter. Criteria: Ambry Variant Classification Scheme 2023. Collection method: clinical testing. Allele origin: germline.
Comment: The p.E908K variant (also known as c.2722G>A), located in coding exon 21 of the FBN2 gene, results from a G to A substitution at nucleotide position 2722. The glutamic acid at codon 908 is replaced by lysine, an amino acid with similar properties, and is located in the hybrid module #02 domain. This amino acid position is highly conserved in available vertebrate species. In addition, this alteration is predicted to be deleterious by in silico analysis. Since supporting evidence is limited at this time, the clinical significance of this alteration remains unclear.

NM_001999.4(FBN2):c.2722G>A (p.Glu908Lys)

Gene: FBN2 (fibrillin 2; minus strand). Cytogenetic location: 5q23.3.
Variant type: single nucleotide variant.
Coding change: c.2722G>A on transcript NM_001999.4 (MANE Select); coding-DNA position 2722, G replaced by A.
Protein change: p.Glu908Lys; replaces glutamic acid 908 with lysine.
Molecular consequence: missense variant.
Genome position (GRCh38, 1-based): chr5:128,350,958, C>T on the plus strand (G>A on the coding strand, the complement: FBN2 is on the minus strand). VCF-style: chr5-128350958-C-T. GRCh37 (hg19) VCF-style: chr5-127686650-C-T.
Other names: short protein forms E908K.
Identifiers: ClinVar variation 519861 (VCV000519861.23), dbSNP rs1204772554, ClinGen allele CA360766366.